The following is an entry in ClinVar:

ClinVar aggregate classification (germline): Likely benign. Review status: criteria provided, single submitter (1 of 4 stars). 2 submissions from 2 submitters: Likely benign (1). 1 of the submissions does not count toward it. Last evaluated 2025-06-13.

Conditions:
PLCE1-related disorder. Also called: PLCE1-related condition.

Allele frequency attached by ClinVar (database versions not stated): gnomAD 0.00001; TOPMed 0.00001; gnomAD exomes 0.00003; ExAC 0.00002.
gnomAD v4.1: 42 of 1,612,176 alleles (0.0026%); highest among the groups gnomAD compares: Admixed American, 0.0033%; no homozygotes.

Submissions (2):

Labcorp Genetics (formerly Invitae), Labcorp
Classification: Likely benign. Last evaluated: 2025-06-13. Review status: criteria provided, single submitter. Criteria: Invitae Variant Classification Sherloc (09022015). Collection method: clinical testing. Allele origin: germline.

PreventionGenetics, part of Exact Sciences
Classification: Likely benign for PLCE1-related condition. Last evaluated: 2021-03-25. Review status: no assertion criteria provided. Collection method: clinical testing. Allele origin: germline. Not counted in ClinVar's aggregate classification.
Comment: This variant is classified as likely benign based on ACMG/AMP sequence variant interpretation guidelines (Richards et al. 2015 PMID: 25741868, with internal and published modifications).

NM_016341.4(PLCE1):c.4332C>T (p.Asp1444=)

Gene: PLCE1 (phospholipase C epsilon 1; plus strand). Cytogenetic location: 10q23.33.
Variant type: single nucleotide variant.
Coding change: c.4332C>T on transcript NM_016341.4 (MANE Select); coding-DNA position 4332, C replaced by T.
Protein change: p.Asp1444=; no amino-acid change (aspartic acid 1444 retained).
Molecular consequence: synonymous variant.
Genome position (GRCh38, 1-based): chr10:94,268,979, C>T. VCF-style: chr10-94268979-C-T. GRCh37 (hg19) VCF-style: chr10-96028736-C-T.
Other names: c.3408C>T, p.Asp1136= (NM_001165979.2); c.4284C>T, p.Asp1428= (NM_001288989.2).
Identifiers: ClinVar variation 3031197 (VCV003031197.4), dbSNP rs758602063, ClinGen allele CA5613110.